The following is an entry in ClinVar:

ClinVar aggregate classification (germline): Uncertain significance (1 of 4 stars; one submission).

Submission:

Ambry Genetics
Classification: Uncertain significance. Last evaluated: 2026-04-15. Review status: criteria provided, single submitter. Criteria: Ambry Variant Classification Scheme 2023. Collection method: clinical testing. Allele origin: germline.
Comment: The p.A126S variant (also known as c.376G>T) is located in coding exon 3 of the RNF43 gene. The alanine at codon 126 is replaced by serine, an amino acid with similar properties. This change occurs in the first base pair of coding exon 3. This amino acid position is conserved. In addition, this alteration is predicted to be tolerated by in silico analysis. Based on the available evidence, the clinical significance of this variant remains unclear.

NM_017763.6(RNF43):c.376G>T (p.Ala126Ser)

Gene: RNF43 (ring finger protein 43; minus strand). Cytogenetic location: 17q22.
Variant type: single nucleotide variant.
Coding change: c.376G>T on transcript NM_017763.6 (MANE Select); coding-DNA position 376, G replaced by T.
Protein change: p.Ala126Ser; replaces alanine 126 with serine.
Molecular consequence: missense variant. On other transcripts: 5 prime UTR variant (2).
Genome position (GRCh38, 1-based): chr17:58,363,600, C>A on the plus strand (G>T on the coding strand, the complement: RNF43 is on the minus strand). VCF-style: chr17-58363600-C-A. GRCh37 (hg19) VCF-style: chr17-56440961-C-A.
Other names: c.376G>T, p.Ala126Ser (NM_001305544.3, NM_001438820.1, NM_001438821.1 and 1 more transcripts); c.-6G>T (NM_001305545.2, NM_001437987.1); short protein forms A126S.
Identifiers: ClinVar variation 4863399 (VCV004863399.1).